The following is an entry in ClinVar:

ClinVar aggregate classification (germline): Uncertain significance (1 of 4 stars; one submission).

Conditions:
Ullrich congenital muscular dystrophy 2 (UCMD2). Identifiers: Orphanet 75840, MedGen C4225314, MONDO:0014654, OMIM 616470.
Bethlem myopathy 2 (BTHLM2). Identifiers: Orphanet 536516, Orphanet 610, MedGen C4225313, MONDO:0034022, OMIM 616471.

Submission:

Labcorp Genetics (formerly Invitae), Labcorp
Classification: Uncertain significance for Bethlem myopathy 2; Ullrich congenital muscular dystrophy 2. Last evaluated: 2021-05-09. Review status: criteria provided, single submitter. Criteria: Invitae Variant Classification Sherloc (09022015). Collection method: clinical testing. Allele origin: germline.
Comment: In summary, the available evidence is currently insufficient to determine the role of this variant in disease. Therefore, it has been classified as a Variant of Uncertain Significance. Algorithms developed to predict the effect of missense changes on protein structure and function are either unavailable or do not agree on the potential impact of this missense change (SIFT: "Deleterious"; PolyPhen-2: "Benign"; Align-GVGD: "Class C0"). This variant has not been reported in the literature in individuals with COL12A1-related conditions. This variant is not present in population databases (ExAC no frequency). This sequence change replaces asparagine with aspartic acid at codon 781 of the COL12A1 protein (p.Asn781Asp). The asparagine residue is moderately conserved and there is a small physicochemical difference between asparagine and aspartic acid.

NM_004370.6(COL12A1):c.2341A>G (p.Asn781Asp)

Gene: COL12A1 (collagen type XII alpha 1 chain; minus strand). Cytogenetic location: 6q13.
Variant type: single nucleotide variant.
Coding change: c.2341A>G on transcript NM_004370.6 (MANE Select); coding-DNA position 2341, A replaced by G.
Protein change: p.Asn781Asp; replaces asparagine 781 with aspartic acid.
Molecular consequence: missense variant. On other transcripts: intron variant (1).
Genome position (GRCh38, 1-based): chr6:75,177,759, T>C on the plus strand (A>G on the coding strand, the complement: COL12A1 is on the minus strand). VCF-style: chr6-75177759-T-C. GRCh37 (hg19) VCF-style: chr6-75887475-T-C.
Other names: c.73+24961A>G (NM_080645.3); short protein forms N781D.
Identifiers: ClinVar variation 1352567 (VCV001352567.8), dbSNP rs2149456727, ClinGen allele CA364763945.